The following is an entry in ClinVar:

NM_001277115.2(DNAH11):c.9218G>T (p.Ser3073Ile)

Gene: DNAH11 (dynein axonemal heavy chain 11; plus strand). Cytogenetic location: 7p15.3.
Variant type: single nucleotide variant.
Coding change: c.9218G>T on transcript NM_001277115.2 (MANE Select); coding-DNA position 9218, G replaced by T.
Protein change: p.Ser3073Ile; replaces serine 3073 with isoleucine.
Molecular consequence: missense variant.
Genome position (GRCh38, 1-based): chr7:21,773,881, G>T. VCF-style: chr7-21773881-G-T. GRCh37 (hg19) VCF-style: chr7-21813499-G-T.
Other names: c.9239G>T, p.Ser3080Ile (NM_003777.3); short protein forms S3073I, S3080I.
Identifiers: ClinVar variation 1766216 (VCV001766216.2), dbSNP rs766622461, ClinGen allele CA366936587.

ClinVar aggregate classification (germline): Uncertain significance (1 of 4 stars; one submission).

Conditions:
Primary ciliary dyskinesia. Also called: Ciliary dyskinesia. Identifiers: Orphanet 244, MedGen C0008780, MONDO:0016575, HP:0012265.

gnomAD v4.1: 6 of 1,594,588 alleles (0.00038%); highest among the groups gnomAD compares: Admixed American, 0.0051%; no homozygotes.

Submission:

Ambry Genetics
Classification: Uncertain significance for Primary ciliary dyskinesia. Last evaluated: 2022-04-25. Review status: criteria provided, single submitter. Criteria: Ambry Variant Classification Scheme 2023. Collection method: clinical testing. Allele origin: germline.
Comment: The p.S3073I variant (also known as c.9218G>T), located in coding exon 56 of the DNAH11 gene, results from a G to T substitution at nucleotide position 9218. The serine at codon 3073 is replaced by isoleucine, an amino acid with dissimilar properties. This amino acid position is conserved. In addition, the in silico prediction for this alteration is inconclusive. Since supporting evidence is limited at this time, the clinical significance of this alteration remains unclear.